The following is an entry in ClinVar:

NM_000321.3(RB1):c.1460T>C (p.Leu487Ser)

Gene: RB1 (RB transcriptional corepressor 1; plus strand). Cytogenetic location: 13q14.2.
Variant type: single nucleotide variant.
Coding change: c.1460T>C on transcript NM_000321.3 (MANE Select); coding-DNA position 1460, T replaced by C.
Protein change: p.Leu487Ser; replaces leucine 487 with serine.
Molecular consequence: missense variant.
Genome position (GRCh38, 1-based): chr13:48,380,203, T>C. VCF-style: chr13-48380203-T-C. GRCh37 (hg19) VCF-style: chr13-48954339-T-C.
Other names: c.1460T>C, p.Leu487Ser (NM_001407165.1, NM_001407166.1); short protein forms L487S.
Identifiers: ClinVar variation 4151212 (VCV004151212.2).

ClinVar aggregate classification (germline): Uncertain significance (1 of 4 stars; one submission).

Conditions:
Hereditary cancer-predisposing syndrome. Also called: Neoplastic Syndromes, Hereditary; Tumor predisposition; Hereditary Cancer Syndrome; Hereditary neoplastic syndrome. Identifiers: Orphanet 140162, MedGen C0027672, MeSH D009386, MONDO:0015356.

Submission:

Ambry Genetics
Classification: Uncertain significance for Hereditary cancer-predisposing syndrome. Last evaluated: 2026-07-08. Review status: criteria provided, single submitter. Criteria: Ambry Variant Classification Scheme 2023. Collection method: clinical testing. Allele origin: germline.
Comment: The p.L487S variant (also known as c.1460T>C), located in coding exon 16 of the RB1 gene, results from a T to C substitution at nucleotide position 1460. The leucine at codon 487 is replaced by serine, an amino acid with dissimilar properties. This amino acid position is highly conserved in available vertebrate species. In addition, this alteration is predicted to be deleterious by in silico analysis. Based on the available evidence, the clinical significance of this variant remains unclear.